The following is an entry in ClinVar:

ClinVar aggregate classification (germline): Likely benign (0 of 4 stars; one submission).

Conditions:
PKHD1L1-related disorder. Also called: PKHD1L1-related condition.

gnomAD v4.1: 2,746 of 1,604,708 alleles (0.17%); highest among the groups gnomAD compares: Non-Finnish European, 0.21%; 2 homozygotes.

Submission:

PreventionGenetics, part of Exact Sciences
Classification: Likely benign for PKHD1L1-related condition. Last evaluated: 2024-03-19. Review status: no assertion criteria provided. Collection method: clinical testing. Allele origin: germline.
Comment: This variant is classified as likely benign based on ACMG/AMP sequence variant interpretation guidelines (Richards et al. 2015 PMID: 25741868, with internal and published modifications).

NM_177531.6(PKHD1L1):c.10171G>A (p.Val3391Ile)

Gene: PKHD1L1 (PKHD1 like 1; plus strand). Cytogenetic location: 8q23.1.
Variant type: single nucleotide variant.
Coding change: c.10171G>A on transcript NM_177531.6 (MANE Select); coding-DNA position 10171, G replaced by A.
Protein change: p.Val3391Ile; replaces valine 3391 with isoleucine.
Molecular consequence: missense variant.
Genome position (GRCh38, 1-based): chr8:109,491,929, G>A. VCF-style: chr8-109491929-G-A. GRCh37 (hg19) VCF-style: chr8-110504158-G-A.
Other names: short protein forms V3391I.
Identifiers: ClinVar variation 3350515 (VCV003350515.1).